The following is an entry in ClinVar:

NM_006514.4(SCN10A):c.1418A>T (p.Asp473Val)

Gene: SCN10A (sodium voltage-gated channel alpha subunit 10; minus strand). Cytogenetic location: 3p22.2.
Variant type: single nucleotide variant.
Coding change: c.1418A>T on transcript NM_006514.4 (MANE Select); coding-DNA position 1418, A replaced by T.
Protein change: p.Asp473Val; replaces aspartic acid 473 with valine.
Molecular consequence: missense variant.
Genome position (GRCh38, 1-based): chr3:38,755,831, T>A on the plus strand (A>T on the coding strand, the complement: SCN10A is on the minus strand). VCF-style: chr3-38755831-T-A. GRCh37 (hg19) VCF-style: chr3-38797322-T-A.
Other names: c.1418A>T, p.Asp473Val (NM_001293306.2, NM_001293307.2); short protein forms D473V.
Identifiers: ClinVar variation 999981 (VCV000999981.8), dbSNP rs774806601, ClinGen allele CA2320874.

ClinVar aggregate classification (germline): Uncertain significance. Review status: criteria provided, multiple submitters, no conflicts (2 of 4 stars). 2 submissions from 2 submitters: Uncertain significance (2). Last evaluated 2025-11-08.

Conditions:
Cardiovascular phenotype. Identifiers: MedGen CN230736.
Brugada syndrome. Also called: Sudden unexpected nocturnal death syndrome; Sudden unexplained nocturnal death syndrome; Sudden Unexplained Death Syndrome; Sudden Unexplained Nocturnal Death Syndrome (SUNDS). Identifiers: Orphanet 130, MedGen C1142166, MONDO:0015263.

Allele frequency attached by ClinVar (database versions not stated): ExAC 0.00001; gnomAD exomes 0.00001.
gnomAD v4.1: 4 of 1,614,140 alleles (0.00025%); highest among the groups gnomAD compares: Non-Finnish European, 0.00025%; no homozygotes.

Submissions (2):

Labcorp Genetics (formerly Invitae), Labcorp
Classification: Uncertain significance for Brugada syndrome. Last evaluated: 2025-11-08. Review status: criteria provided, single submitter. Criteria: Invitae Variant Classification Sherloc (09022015). Collection method: clinical testing. Allele origin: germline.
Comment: This sequence change replaces aspartic acid, which is acidic and polar, with valine, which is neutral and non-polar, at codon 473 of the SCN10A protein (p.Asp473Val). This variant is present in population databases (rs774806601, gnomAD 0.0009%). This variant has not been reported in the literature in individuals affected with SCN10A-related conditions. ClinVar contains an entry for this variant (Variation ID: 999981). Invitae Evidence Modeling of protein sequence and biophysical properties (such as structural, functional, and spatial information, amino acid conservation, physicochemical variation, residue mobility, and thermodynamic stability) indicates that this missense variant is not expected to disrupt SCN10A protein function with a negative predictive value of 80%. In summary, the available evidence is currently insufficient to determine the role of this variant in disease. Therefore, it has been classified as a Variant of Uncertain Significance.

Ambry Genetics
Classification: Uncertain significance for Cardiovascular phenotype. Last evaluated: 2024-05-07. Review status: criteria provided, single submitter. Criteria: Ambry Variant Classification Scheme 2023. Collection method: clinical testing. Allele origin: germline.
Comment: The p.D473V variant (also known as c.1418A>T), located in coding exon 10 of the SCN10A gene, results from an A to T substitution at nucleotide position 1418. The aspartic acid at codon 473 is replaced by valine, an amino acid with highly dissimilar properties. This amino acid position is well conserved in available vertebrate species. In addition, the in silico prediction for this alteration is inconclusive. Since supporting evidence is limited at this time, the clinical significance of this alteration remains unclear.